The following is an entry in ClinVar:

ClinVar aggregate classification (germline): Uncertain significance (1 of 4 stars; one submission).

gnomAD v4.1: 21 of 1,614,076 alleles (0.0013%); highest among the groups gnomAD compares: Middle Eastern, 0.016%; no homozygotes.

Submission:

Labcorp Genetics (formerly Invitae), Labcorp
Classification: Uncertain significance. Last evaluated: 2025-10-19. Review status: criteria provided, single submitter. Criteria: Invitae Variant Classification Sherloc (09022015). Collection method: clinical testing. Allele origin: germline.
Comment: This sequence change replaces asparagine, which is neutral and polar, with lysine, which is basic and polar, at codon 87 of the ANG protein (p.Asn87Lys). This variant is present in population databases (rs770801799, gnomAD 0.002%). This variant has not been reported in the literature in individuals affected with ANG-related conditions. An algorithm developed to predict the effect of missense changes on protein structure and function outputs the following: PolyPhen-2: "Benign". The lysine amino acid residue is found in multiple mammalian species, which suggests that this missense change does not adversely affect protein function. In summary, the available evidence is currently insufficient to determine the role of this variant in disease. Therefore, it has been classified as a Variant of Uncertain Significance.

NM_001097577.3(ANG):c.261C>A (p.Asn87Lys)

Genes: ANG (angiogenin; plus strand), EGILA (EGFR interacting lncRNA; minus strand), RNASE4 (ribonuclease A family member 4; plus strand). Cytogenetic location: 14q11.2.
Variant type: single nucleotide variant.
Coding change: c.261C>A on transcript NM_001097577.3 (MANE Select); coding-DNA position 261, C replaced by A.
Protein change: p.Asn87Lys; replaces asparagine 87 with lysine.
Molecular consequence: missense variant. On other transcripts: intron variant (4).
Genome position (GRCh38, 1-based): chr14:20,693,825, C>A. VCF-style: chr14-20693825-C-A. GRCh37 (hg19) VCF-style: chr14-21161984-C-A.
Other names: c.261C>A, p.Asn87Lys (NM_001145.4, NM_001385271.1, NM_001385272.1 and 2 more transcripts); c.-18+175C>A (NM_001282192.2); c.-17-5530C>A (NM_002937.5, NM_001282193.2); c.-18+4951C>A (NM_194431.3); short protein forms N87K.
Identifiers: ClinVar variation 4812165 (VCV004812165.1).